The following is an entry in ClinVar:

NM_012470.4(TNPO3):c.1150C>T (p.Pro384Ser)

Gene: TNPO3 (transportin 3; minus strand). Cytogenetic location: 7q32.1.
Variant type: single nucleotide variant.
Coding change: c.1150C>T on transcript NM_012470.4 (MANE Select); coding-DNA position 1150, C replaced by T.
Protein change: p.Pro384Ser; replaces proline 384 with serine.
Molecular consequence: missense variant. On other transcripts: non-coding transcript variant (17), intron variant (1).
Genome position (GRCh38, 1-based): chr7:128,997,397, G>A on the plus strand (C>T on the coding strand, the complement: TNPO3 is on the minus strand). VCF-style: chr7-128997397-G-A. GRCh37 (hg19) VCF-style: chr7-128637451-G-A.
Other names: c.1150C>T (NM_012470.3); c.1150C>T, p.Pro384Ser (NM_001191028.3, NM_001382216.1, NM_001382218.1 and 3 more transcripts); c.1231C>T, p.Pro411Ser (NM_001382217.1); c.1006C>T, p.Pro336Ser (NM_001382221.1); c.1011+3032C>T (NM_001382222.1); short protein forms P384S, P411S, P336S.
Identifiers: ClinVar variation 2834783 (VCV002834783.7), dbSNP rs2536209710, ClinGen allele CA369234456.

ClinVar aggregate classification (germline): Uncertain significance. Review status: criteria provided, multiple submitters, no conflicts (2 of 4 stars). 3 submissions from 3 submitters: Uncertain significance (2). 1 of the submissions does not count toward it. Last evaluated 2025-10-18.

Conditions:
TNPO3-related disorder. Also called: TNPO3-related condition.
Autosomal dominant limb-girdle muscular dystrophy type 1F (LGMDD2). Also called: Limb-girdle muscular dystrophy, type 1F; MUSCULAR DYSTROPHY, LIMB-GIRDLE, AUTOSOMAL DOMINANT 2. Identifiers: Orphanet 55595, MedGen C1842062, MONDO:0012034, OMIM 608423.

Allele frequency attached by ClinVar (database versions not stated): gnomAD exomes 0.00001.
gnomAD v4.1: 8 of 1,614,086 alleles (0.0005%); highest among the groups gnomAD compares: Non-Finnish European, 0.00068%; no homozygotes.

Submissions (3):

Labcorp Genetics (formerly Invitae), Labcorp
Classification: Uncertain significance for Autosomal dominant limb-girdle muscular dystrophy type 1F. Last evaluated: 2025-10-18. Review status: criteria provided, single submitter. Criteria: Invitae Variant Classification Sherloc (09022015). Collection method: clinical testing. Allele origin: germline.
Comment: This sequence change replaces proline, which is neutral and non-polar, with serine, which is neutral and polar, at codon 384 of the TNPO3 protein (p.Pro384Ser). This variant is not present in population databases (gnomAD no frequency). This variant has not been reported in the literature in individuals affected with TNPO3-related conditions. ClinVar contains an entry for this variant (Variation ID: 2834783). Invitae Evidence Modeling of protein sequence and biophysical properties (such as structural, functional, and spatial information, amino acid conservation, physicochemical variation, residue mobility, and thermodynamic stability) indicates that this missense variant is not expected to disrupt TNPO3 protein function with a negative predictive value of 80%. In summary, the available evidence is currently insufficient to determine the role of this variant in disease. Therefore, it has been classified as a Variant of Uncertain Significance.

Revvity Omics, Revvity
Classification: Uncertain significance for Autosomal dominant limb-girdle muscular dystrophy type 1F. Last evaluated: 2025-06-23. Review status: criteria provided, single submitter. Criteria: ACMG Guidelines, 2015. Collection method: clinical testing. Allele origin: germline.

PreventionGenetics, part of Exact Sciences
Classification: Uncertain significance for TNPO3-related condition. Last evaluated: 2023-12-11. Review status: no assertion criteria provided. Collection method: clinical testing. Allele origin: germline. Not counted in ClinVar's aggregate classification.
Comment: The TNPO3 c.1150C>T variant is predicted to result in the amino acid substitution p.Pro384Ser. To our knowledge, this variant has not been reported in the literature or in a large population database, indicating this variant is rare. At this time, the clinical significance of this variant is uncertain due to the absence of conclusive functional and genetic evidence.